The following is an entry in ClinVar:

ClinVar aggregate classification (germline): Pathogenic (1 of 4 stars; one submission).

Submission:

Labcorp Genetics (formerly Invitae), Labcorp
Classification: Pathogenic. Last evaluated: 2023-12-09. Review status: criteria provided, single submitter. Criteria: Invitae Variant Classification Sherloc (09022015). Collection method: clinical testing. Allele origin: germline.
Comment: This sequence change creates a premature translational stop signal (p.Ser1907Alafs*4) in the FREM2 gene. It is expected to result in an absent or disrupted protein product. Loss-of-function variants in FREM2 are known to be pathogenic (PMID: 18203166, 26552811). This variant is not present in population databases (gnomAD no frequency). This variant has not been reported in the literature in individuals affected with FREM2-related conditions. Algorithms developed to predict the effect of sequence changes on RNA splicing suggest that this variant may disrupt the consensus splice site. For these reasons, this variant has been classified as Pathogenic.

Literature cited by the submitters: PubMed 18203166; PubMed 26552811.

NM_207361.6(FREM2):c.5719del (p.Ser1907fs)

Gene: FREM2 (FRAS1 related extracellular matrix 2; plus strand). Cytogenetic location: 13q13.3.
Variant type: Deletion.
Coding change: c.5719del on transcript NM_207361.6 (MANE Select); coding-DNA position 5719, one base deleted (A; older notation c.5719delA).
Protein change: p.Ser1907fs; shifts the reading frame from serine 1907.
Molecular consequence: frameshift variant.
Genome position (GRCh38, 1-based): chr13:38,783,147, A deleted. VCF-style (leftmost placement, unchanged base first): chr13-38783146-GA-G. GRCh37 (hg19) VCF-style: chr13-39357283-GA-G.
Other names: short protein forms S1907fs.
Identifiers: ClinVar variation 2989125 (VCV002989125.3), dbSNP rs2541437828, ClinGen allele CA2740097660.